The following is an entry in ClinVar:

ClinVar aggregate classification (germline): Likely benign. Review status: criteria provided, multiple submitters, no conflicts (2 of 4 stars). 2 submissions from 2 submitters: Likely benign (2). Last evaluated 2023-01-18.

Allele frequency attached by ClinVar (database versions not stated): ExAC 0.00002.
gnomAD v4.1: 12 of 1,613,872 alleles (0.00074%); highest among the groups gnomAD compares: Non-Finnish European, 0.001%; no homozygotes.

Submissions (2):

Blueprint Genetics
Classification: Likely benign. Last evaluated: 2023-01-18. Review status: criteria provided, single submitter. Criteria: ACMG Guidelines, 2015. Collection method: clinical testing. Allele origin: germline.

GeneDx
Classification: Likely benign. Last evaluated: 2018-04-09. Review status: criteria provided, single submitter. Criteria: GeneDx Variant Classification (06012015). Collection method: clinical testing. Allele origin: germline. Affected: yes.
Comment: This variant is considered likely benign or benign based on one or more of the following criteria: it is a conservative change, it occurs at a poorly conserved position in the protein, it is predicted to be benign by multiple in silico algorithms, and/or has population frequency not consistent with disease.

NM_001267550.2(TTN):c.13361A>G (p.Glu4454Gly)

Gene: TTN (titin; minus strand). Cytogenetic location: 2q31.2.
Variant type: single nucleotide variant.
Coding change: c.13361A>G on transcript NM_001267550.2 (MANE Select); coding-DNA position 13361, A replaced by G.
Protein change: p.Glu4454Gly; replaces glutamic acid 4454 with glycine.
Molecular consequence: missense variant. On other transcripts: intron variant (1).
Genome position (GRCh38, 1-based): chr2:178,739,872, T>C on the plus strand (A>G on the coding strand, the complement: TTN is on the minus strand). VCF-style: chr2-178739872-T-C. GRCh37 (hg19) VCF-style: chr2-179604599-T-C.
Other names: c.12410A>G, p.Glu4137Gly (NM_001256850.1); c.12272A>G, p.Glu4091Gly (NM_003319.4); c.12647A>G, p.Glu4216Gly (NM_133432.3); c.12848A>G, p.Glu4283Gly (NM_133437.4); c.10361-1512A>G (NM_133378.4); short protein forms E4137G, E4216G, E4091G, E4283G, E4454G.
Identifiers: ClinVar variation 681657 (VCV000681657.2), dbSNP rs754729998, ClinGen allele CA2002591.
Genomic context (GRCh38, chr2:178,739,872, plus strand): 5'-CTAAGTTCCATTTTCAGGTTAGCCATTTGAGGATCAACATCTTCAATAATGATGGTTACT[T>C]CTTCTGTTACAGACTTTGCCGAAGTAACAAGGTACATGCACATGATGTGTCTGGGCTCTT-3'
Protein context (NP_001254479.2, residues 4444-4464): LVTSAKSVTE[Glu4454Gly]VTIIIEDVDP